The following is an entry in ClinVar:

ClinVar aggregate classification (germline): Uncertain significance (1 of 4 stars; one submission).

Conditions:
MYO5B-related disorder. Also called: MYO5B-related condition.

gnomAD v4.1: 1 of 1,614,046 alleles (0.000062%); highest among the groups gnomAD compares: Admixed American, 0.0017%; no homozygotes.

Submission:

PreventionGenetics, part of Exact Sciences
Classification: Uncertain significance for MYO5B-related condition. Last evaluated: 2025-09-22. Review status: criteria provided, single submitter. Criteria: ACMG Guidelines, 2015. Collection method: clinical testing. Allele origin: germline.
Comment: The MYO5B c.458A>G variant is predicted to result in the amino acid substitution p.Asp153Gly. To our knowledge, this variant has not been reported in the literature. This variant is reported in 0.0029% of alleles in individuals of Latino descent in gnomAD. At this time, the clinical significance of this variant is uncertain due to the absence of conclusive functional and genetic evidence.

NM_001080467.3(MYO5B):c.458A>G (p.Asp153Gly)

Gene: MYO5B (myosin VB; minus strand). Cytogenetic location: 18q21.1.
Variant type: single nucleotide variant.
Coding change: c.458A>G on transcript NM_001080467.3 (MANE Select); coding-DNA position 458, A replaced by G.
Protein change: p.Asp153Gly; replaces aspartic acid 153 with glycine.
Molecular consequence: missense variant.
Genome position (GRCh38, 1-based): chr18:50,001,409, T>C on the plus strand (A>G on the coding strand, the complement: MYO5B is on the minus strand). VCF-style: chr18-50001409-T-C. GRCh37 (hg19) VCF-style: chr18-47527779-T-C.
Other names: short protein forms D153G.
Identifiers: ClinVar variation 4990382 (VCV004990382.1).
Genomic context (GRCh38, chr18:50,001,409, plus strand): 5'-GCTGATACCGTCTTCCCGGCTCCAGACTCCCCACTGACTATGATGGACTGATTCTTCTCA[T>C]CTCTGGAAGGAAAAAAGCTCTGATAAGTCATTGGCCATGGAAAGGCTCTGCTACCGTCCA-3'
Protein context (NP_001073936.1, residues 143-163): AEEAYKQMAR[Asp153Gly]EKNQSIIVSG